The following is an entry in ClinVar:

NM_001040108.2(MLH3):c.2165A>G (p.His722Arg)

Gene: MLH3 (mutL homolog 3; minus strand). Cytogenetic location: 14q24.3.
Variant type: single nucleotide variant.
Coding change: c.2165A>G on transcript NM_001040108.2 (MANE Select); coding-DNA position 2165, A replaced by G.
Protein change: p.His722Arg; replaces histidine 722 with arginine.
Molecular consequence: missense variant.
Genome position (GRCh38, 1-based): chr14:75,047,491, T>C on the plus strand (A>G on the coding strand, the complement: MLH3 is on the minus strand). VCF-style: chr14-75047491-T-C. GRCh37 (hg19) VCF-style: chr14-75514194-T-C.
Other names: c.2165A>G, p.His722Arg (NM_014381.3); short protein forms H722R.
Identifiers: ClinVar variation 3295150 (VCV003295150.3).
Genomic context (GRCh38, chr14:75,047,491, plus strand): 5'-CGGACGATTGGTTTGGAGAAACCAATTAATTTATCTGTTTTCCTACTATCATTGGAAACG[T>C]GTCTATACCAGGGGAAAGAGGGGGATGTATCAGATAATATGCAATCTGTTTGTGATTTTT-3'
Protein context (NP_001035197.1, residues 712-732): DTSPSFPWYR[His722Arg]VSNDSRKTDK

ClinVar aggregate classification (germline): Uncertain significance. Review status: criteria provided, multiple submitters, no conflicts (2 of 4 stars). 2 submissions from 2 submitters: Uncertain significance (2). Last evaluated 2024-11-06.

Conditions:
Colorectal cancer, hereditary nonpolyposis, type 7. Identifiers: Orphanet 144, MedGen C1858380, MONDO:0013725, OMIM 614385.

Submissions (2):

Labcorp Genetics (formerly Invitae), Labcorp
Classification: Uncertain significance for Colorectal cancer, hereditary nonpolyposis, type 7. Last evaluated: 2024-11-06. Review status: criteria provided, single submitter. Criteria: Invitae Variant Classification Sherloc (09022015). Collection method: clinical testing. Allele origin: germline.
Comment: This sequence change replaces histidine, which is basic and polar, with arginine, which is basic and polar, at codon 722 of the MLH3 protein (p.His722Arg). This variant is not present in population databases (gnomAD no frequency). This variant has not been reported in the literature in individuals affected with MLH3-related conditions. An algorithm developed to predict the effect of missense changes on protein structure and function outputs the following: PolyPhen-2: "Benign". The arginine amino acid residue is found in multiple mammalian species, which suggests that this missense change does not adversely affect protein function. In summary, the available evidence is currently insufficient to determine the role of this variant in disease. Therefore, it has been classified as a Variant of Uncertain Significance.

Ambry Genetics
Classification: Uncertain significance. Last evaluated: 2024-05-25. Review status: criteria provided, single submitter. Criteria: Ambry Variant Classification Scheme 2023. Collection method: clinical testing. Allele origin: germline.
Comment: The p.H722R variant (also known as c.2165A>G), located in coding exon 1 of the MLH3 gene, results from an A to G substitution at nucleotide position 2165. The histidine at codon 722 is replaced by arginine, an amino acid with highly similar properties. This amino acid position is conserved. In addition, this alteration is predicted to be tolerated by in silico analysis. Based on the available evidence, the clinical significance of this variant remains unclear.